The following is an entry in ClinVar:

NM_001035.3(RYR2):c.10551C>A (p.Gly3517=)

Gene: RYR2 (ryanodine receptor 2; plus strand). Cytogenetic location: 1q43.
Variant type: single nucleotide variant.
Coding change: c.10551C>A on transcript NM_001035.3 (MANE Select); coding-DNA position 10551, C replaced by A.
Protein change: p.Gly3517=; no amino-acid change (glycine 3517 retained).
Molecular consequence: synonymous variant.
Genome position (GRCh38, 1-based): chr1:237,718,518, C>A. VCF-style: chr1-237718518-C-A. GRCh37 (hg19) VCF-style: chr1-237881818-C-A.
Other names: c.10551C>A, p.Gly3517= (LRG_402t1).
Identifiers: ClinVar variation 385546 (VCV000385546.10), dbSNP rs768797598, ClinGen allele CA084382.

ClinVar aggregate classification (germline): Conflicting classifications of pathogenicity. Review status: criteria provided, conflicting classifications (1 of 4 stars). 6 submissions from 5 submitters: Uncertain significance (2); Likely benign (4). Last evaluated 2025-10-27.

Conditions:
Cardiovascular phenotype. Identifiers: MedGen CN230736.
Catecholaminergic polymorphic ventricular tachycardia 1. Also called: RYR2-Related Catecholaminergic Polymorphic Ventricular Tachycardia; VENTRICULAR TACHYCARDIA, CATECHOLAMINERGIC POLYMORPHIC, 1, WITH OR WITHOUT ATRIAL DYSFUNCTION AND/OR DILATED CARDIOMYOPATHY; VENTRICULAR TACHYCARDIA, STRESS-INDUCED POLYMORPHIC 1. Identifiers: Orphanet 3286, MedGen C1631597, MONDO:0011484, OMIM 604772.
Cardiomyopathy (CMYO). Also called: Cardiomyopathies. Identifiers: Orphanet 167848, MedGen C0878544, MONDO:0004994, HP:0001638. Inheritance: Various modes of inheritance.
Arrhythmogenic right ventricular dysplasia 2. Identifiers: MedGen C1832931.

Allele frequency attached by ClinVar (database versions not stated): gnomAD exomes below 0.00001 and 0.00001; ExAC 0.00001.
gnomAD v4.1: 3 of 1,575,114 alleles (0.00019%); highest among the groups gnomAD compares: South Asian, 0.0034%; no homozygotes.

Submissions (6):

Ambry Genetics
Classification: Likely benign for Cardiovascular phenotype. Last evaluated: 2025-10-27. Review status: criteria provided, single submitter. Criteria: Ambry Variant Classification Scheme 2023. Collection method: clinical testing. Allele origin: germline.

Color Diagnostics, LLC DBA Color Health
Classification: Likely benign for Cardiomyopathy. Last evaluated: 2025-09-05. Review status: criteria provided, single submitter. Criteria: ACMG Guidelines, 2015. Collection method: clinical testing. Allele origin: germline.

Labcorp Genetics (formerly Invitae), Labcorp
Classification: Likely benign for Catecholaminergic polymorphic ventricular tachycardia 1. Last evaluated: 2024-01-28. Review status: criteria provided, single submitter. Criteria: Invitae Variant Classification Sherloc (09022015). Collection method: clinical testing. Allele origin: germline.

Illumina Laboratory Services, Illumina
Classification: Uncertain significance for Catecholaminergic polymorphic ventricular tachycardia 1. Last evaluated: 2018-01-12. Review status: criteria provided, single submitter. Criteria: ICSL Variant Classification Criteria 13 December 2019. Collection method: clinical testing. Allele origin: germline.

Illumina Laboratory Services, Illumina
Classification: Uncertain significance for Catecholaminergic polymorphic ventricular tachycardia 1. Last evaluated: 2018-01-12. Review status: criteria provided, single submitter. Criteria: ICSL Variant Classification Criteria 13 December 2019. Collection method: clinical testing. Allele origin: germline.

GeneDx
Classification: Likely benign. Last evaluated: 2016-04-15. Review status: criteria provided, single submitter. Criteria: GeneDx Variant Classification (06012015). Collection method: clinical testing. Allele origin: germline. Affected: yes.
Comment: This variant is considered likely benign or benign based on one or more of the following criteria: it is a conservative change, it occurs at a poorly conserved position in the protein, it is predicted to be benign by multiple in silico algorithms, and/or has population frequency not consistent with disease.